The following is an entry in ClinVar:

ClinVar aggregate classification (germline): Uncertain significance (1 of 4 stars; one submission).

Submission:

Labcorp Genetics (formerly Invitae), Labcorp
Classification: Uncertain significance. Last evaluated: 2025-04-14. Review status: criteria provided, single submitter. Criteria: Invitae Variant Classification Sherloc (09022015). Collection method: clinical testing. Allele origin: germline.
Comment: This sequence change falls in intron 4 of the PALM gene. It does not directly change the encoded amino acid sequence of the PALM protein. It affects a nucleotide within the consensus splice site. This variant is not present in population databases (gnomAD no frequency). This variant has not been reported in the literature in individuals affected with PALM-related conditions. Variants that disrupt the consensus splice site are a relatively common cause of aberrant splicing (PMID: 17576681, 9536098). Experimental studies and prediction algorithms are not available or were not evaluated, and the effect of this variant on mRNA splicing is currently unknown. In summary, the available evidence is currently insufficient to determine the role of this variant in disease. Therefore, it has been classified as a Variant of Uncertain Significance.

Literature cited by the submitters: PubMed 17576681; PubMed 9536098.

NM_002579.3(PALM):c.269+6_269+19del

Gene: PALM (paralemmin; plus strand). Cytogenetic location: 19p13.3.
Variant type: Deletion.
Coding change: c.269+6_269+19del on transcript NM_002579.3 (MANE Select); bases 6 to 19 of the intron after coding-DNA position 269, 14 bases deleted (GGCTGCAGCGTGGG).
Molecular consequence: splice donor variant.
Genome position (GRCh38, 1-based): chr19:727,700-727,713, GGCTGCAGCGTGGG deleted; deleting any 14 consecutive bases within chr19:727,695-727,713 gives the same sequence; the c. name uses the placement nearest the transcript's 3' end. VCF-style (leftmost placement, unchanged base first): chr19-727694-GGTGGGGGCTGCAGC-G. GRCh37 (hg19) VCF-style: chr19-727694-GGTGGGGGCTGCAGC-G.
Other names: c.269+6_269+19del (NM_001040134.2).
Identifiers: ClinVar variation 4764423 (VCV004764423.1).